The following is an entry in ClinVar:

NM_000760.4(CSF3R):c.1664G>A (p.Gly555Glu)

Gene: CSF3R (colony stimulating factor 3 receptor; minus strand). Cytogenetic location: 1p34.3.
Variant type: single nucleotide variant.
Coding change: c.1664G>A on transcript NM_000760.4 (MANE Select); coding-DNA position 1664, G replaced by A.
Protein change: p.Gly555Glu; replaces glycine 555 with glutamic acid.
Molecular consequence: missense variant.
Genome position (GRCh38, 1-based): chr1:36,468,134, C>T on the plus strand (G>A on the coding strand, the complement: CSF3R is on the minus strand). VCF-style: chr1-36468134-C-T. GRCh37 (hg19) VCF-style: chr1-36933735-C-T.
Other names: c.1664G>A, p.Gly555Glu (NM_156039.3, NM_172313.3); c.1664G>A (NM_000760.3); short protein forms G555E.
Identifiers: ClinVar variation 1366372 (VCV001366372.8), dbSNP rs763022964, ClinGen allele CA769121.

ClinVar aggregate classification (germline): Uncertain significance. Review status: criteria provided, multiple submitters, no conflicts (2 of 4 stars). 3 submissions from 3 submitters: Uncertain significance (3). Last evaluated 2026-08-31.

Conditions:
Inborn genetic diseases. Identifiers: MedGen C0950123, MeSH D030342.
Autosomal recessive severe congenital neutropenia due to CSF3R deficiency. Also called: Neutropenia, severe congenital, 7, autosomal recessive. Identifiers: Orphanet 420702, MedGen C4310764, MONDO:0014865, OMIM 617014.
CSF3R-related disorder. Also called: CSF3R-related condition.

Allele frequency attached by ClinVar (database versions not stated): gnomAD exomes 0.00001 and 0.00002; TOPMed 0.00001; ExAC 0.00002; gnomAD 0.00002.
gnomAD v4.1: 19 of 1,613,992 alleles (0.0012%); highest among the groups gnomAD compares: Admixed American, 0.0067%; no homozygotes.

Submissions (3):

PreventionGenetics, part of Exact Sciences
Classification: Uncertain significance for CSF3R-related condition. Last evaluated: 2026-08-31. Review status: criteria provided, single submitter. Criteria: ACMG Guidelines, 2015. Collection method: clinical testing. Allele origin: germline.
Comment: The CSF3R c.1664G>A variant is predicted to result in the amino acid substitution p.Gly555Glu. To our knowledge, this variant has not been reported in the literature. This variant is reported in 0.0087% of alleles in individuals of Latino descent in gnomAD. At this time, the clinical significance of this variant is uncertain due to the absence of conclusive functional and genetic evidence.

Labcorp Genetics (formerly Invitae), Labcorp
Classification: Uncertain significance for Autosomal recessive severe congenital neutropenia due to CSF3R deficiency. Last evaluated: 2025-10-08. Review status: criteria provided, single submitter. Criteria: Invitae Variant Classification Sherloc (09022015). Collection method: clinical testing. Allele origin: germline.
Comment: This sequence change replaces glycine, which is neutral and non-polar, with glutamic acid, which is acidic and polar, at codon 555 of the CSF3R protein (p.Gly555Glu). This variant is present in population databases (rs763022964, gnomAD 0.009%). This variant has not been reported in the literature in individuals affected with CSF3R-related conditions. ClinVar contains an entry for this variant (Variation ID: 1366372). Invitae Evidence Modeling of protein sequence and biophysical properties (such as structural, functional, and spatial information, amino acid conservation, physicochemical variation, residue mobility, and thermodynamic stability) indicates that this missense variant is expected to disrupt CSF3R protein function with a positive predictive value of 80%. In summary, the available evidence is currently insufficient to determine the role of this variant in disease. Therefore, it has been classified as a Variant of Uncertain Significance.

Ambry Genetics
Classification: Uncertain significance for Inborn genetic diseases. Last evaluated: 2024-12-20. Review status: criteria provided, single submitter. Criteria: Ambry Variant Classification Scheme 2023. Collection method: clinical testing. Allele origin: germline.